The following is an entry in ClinVar:

NM_014915.3(ANKRD26):c.1019C>T (p.Ser340Leu)

Gene: ANKRD26 (ankyrin repeat domain containing 26; minus strand). Cytogenetic location: 10p12.1.
Variant type: single nucleotide variant.
Coding change: c.1019C>T on transcript NM_014915.3 (MANE Select); coding-DNA position 1019, C replaced by T.
Protein change: p.Ser340Leu; replaces serine 340 with leucine.
Molecular consequence: missense variant.
Genome position (GRCh38, 1-based): chr10:27,077,396, G>A on the plus strand (C>T on the coding strand, the complement: ANKRD26 is on the minus strand). VCF-style: chr10-27077396-G-A. GRCh37 (hg19) VCF-style: chr10-27366325-G-A.
Other names: c.1019C>T, p.Ser340Leu (NM_001256053.2); short protein forms S340L.
Identifiers: ClinVar variation 3914820 (VCV003914820.1).
Genomic context (GRCh38, chr10:27,077,396, plus strand): 5'-ACCTTCATAAGACCAGGGTTTGCTAACGACTTGTGGGAAGGTTTTGGAAGAAGGTCAGGT[G>A]ATTGATAGGTAGGATGAGAAAAGCACTGGACTTTGATTGATGTTGTAGGAAGGCTTTCAA-3'
Protein context (NP_055730.2, residues 330-350): VQCFSHPTYQ[Ser340Leu]PDLLPKPSHK

ClinVar aggregate classification (germline): Uncertain significance (1 of 4 stars; one submission).

Conditions:
Inborn genetic diseases. Identifiers: MedGen C0950123, MeSH D030342.

Submission:

Ambry Genetics
Classification: Uncertain significance for Inborn genetic diseases. Last evaluated: 2025-05-27. Review status: criteria provided, single submitter. Criteria: Ambry Variant Classification Scheme 2023. Collection method: clinical testing. Allele origin: germline.
Comment: The p.S340L variant (also known as c.1019C>T), located in coding exon 9 of the ANKRD26 gene, results from a C to T substitution at nucleotide position 1019. The serine at codon 340 is replaced by leucine, an amino acid with dissimilar properties. This amino acid position is conserved. In addition, this alteration is predicted to be tolerated by in silico analysis. Based on the available evidence, the clinical significance of this variant remains unclear.